The following is an entry in ClinVar:

ClinVar aggregate classification (germline): Pathogenic. Review status: criteria provided, multiple submitters, no conflicts (2 of 4 stars). 4 submissions from 4 submitters: Pathogenic (2). 2 of the submissions do not count toward it. Last evaluated 2023-10-24.

Conditions:
Hereditary spastic paraplegia 74. Also called: Spastic paraplegia 74, autosomal recessive. Identifiers: Orphanet 468661, MedGen C5568837, MONDO:0014644, OMIM 616451.
Multiple mitochondrial dysfunctions syndrome 3 (MMDS3). Identifiers: Orphanet 363424, MedGen C3809165, MONDO:0014132, OMIM 615330.

gnomAD v4.1: 2 of 1,552,726 alleles (0.00013%); highest among the groups gnomAD compares: Middle Eastern, 0.017%; no homozygotes.

Submissions (4):

3billion
Classification: Pathogenic for Hereditary spastic paraplegia 74. Last evaluated: 2023-10-24. Review status: criteria provided, single submitter. Criteria: ACMG Guidelines, 2015. Collection method: clinical testing. Allele origin: germline. Affected: yes.
Comment: The variant is not observed in the gnomAD v2.1.1 dataset. Predicted Consequence/Location: Synonymous variant near exon/intron junction previously reported to alter splicing and result in a loss of normal protein function through nonsense-mediated decay (NMD) or protein truncation (PMID: 25609768). Althogh SpliceAI score is low at 0.17 (>=0.2, moderate evidence for spliceogenicity), abnormal splicing has been reported (PMID: 25609768). Functional studies also provide moderate evidence of the variant having a damaging effect on the gene or gene product (PMID: 25609768). Synonymous variant near exon/intron junction previously reported to alter splicing and result in a loss of normal protein function through nonsense-mediated decay (NMD) or protein truncation (PMID: 25609768). Therefore, this variant is classified as Pathogenic according to the recommendation of ACMG/AMP guideline.

Breakthrough Genomics
Classification: Pathogenic for Hereditary spastic paraplegia 74. Last evaluated: 2021-05-22. Review status: criteria provided, single submitter. Criteria: ACMG Guidelines, 2015. Collection method: clinical testing. Allele origin: germline. Affected: yes.
Comment: This variant was previously reported in 11 affected subjects of a highly consanguineous 5-generation family of Arab origin. The affected individuals in this family manifested with very slowly progressive, childhood-onset gait impairment, knee hyperreflexia and with a combination of spastic paraplegia, optic atrophy, and peripheral neuropathy (SPOAN). This variant was reported to segregate in an autosomal recessive pattern in affected members [PMID: 25609768]. In-vitro functional analysis using cDNA from both fresh lymphocytes and transformed lymphoblastoid cells from a patient harboring c.678A>G variant revealed a severely decreased amount of normal IBA57 protein and an aberrantly spliced messenger RNA with a premature stop codon. In addition, decreased functional IBA57 protein demonstrated reduced levels and activities of several mitochondrial [4Fe-4S] proteins in complexes I and II suggesting its loss-of-function [PMID: 25609768].

Solve-RD Consortium
Classification: Likely pathogenic for Multiple mitochondrial dysfunctions syndrome 3. Last evaluated: 2022-06-01. Review status: no assertion criteria provided. Collection method: provider interpretation. Allele origin: inherited. Affected: yes. Not counted in ClinVar's aggregate classification.
Comment: Variant confirmed as disease-causing by referring clinical team

Variant identified during reanalysis of unsolved cases by the Solve-RD project. The Solve-RD project has received funding from the European Union’s Horizon 2020 research and innovation programme under grant agreement No 779257.

OMIM
Classification: Pathogenic for SPASTIC PARAPLEGIA 74, AUTOSOMAL RECESSIVE (1 family). Last evaluated: 2015-02-17. Review status: no assertion criteria provided. Collection method: literature only. Allele origin: germline. Not counted in ClinVar's aggregate classification.

Literature cited by the submitters: PubMed 25609768 (cited by 3billion and OMIM); PubMed 39825153 (cited by Solve-RD Consortium).

NM_001010867.4(IBA57):c.678A>G (p.Gln226=)

Gene: IBA57 (iron-sulfur cluster assembly factor IBA57; plus strand). Cytogenetic location: 1q42.13.
Variant type: single nucleotide variant.
Coding change: c.678A>G on transcript NM_001010867.4 (MANE Select); coding-DNA position 678, A replaced by G.
Protein change: p.Gln226=; no amino-acid change (glutamine 226 retained).
Molecular consequence: synonymous variant.
Genome position (GRCh38, 1-based): chr1:228,175,028, A>G. VCF-style: chr1-228175028-A-G. GRCh37 (hg19) VCF-style: chr1-228362729-A-G.
Other names: p.Gln226=; 678A-G; c.99A>G, p.Gln33= (NM_001310327.2).
Identifiers: ClinVar variation 203449 (VCV000203449.7), dbSNP rs876657407, ClinGen allele CA10575730.
Genomic context (GRCh38, chr1:228,175,028, plus strand): 5'-CCTGGTGCCCGGGGGCCGGCTCGGGGACTTGTGGGATTATCACCAGCACCGATACCTGCA[A>G]GGTATGGGTGGGGTGGGCACGCTGGGCTGGATTGCACGGGTGGAGCTGGACGATGTTCAA-3'
Protein context (NP_001010867.1, residues 216-236): LWDYHQHRYL[Gln226=]GVPEGVRDLP